The following is an entry in ClinVar:

ClinVar aggregate classification (germline): Conflicting classifications of pathogenicity. Review status: criteria provided, conflicting classifications (1 of 4 stars). 5 submissions from 5 submitters: Uncertain significance (1); Benign (3); Likely benign (1). Last evaluated 2026-05-01.

Conditions:
Congenital myasthenic syndrome 16. Identifiers: Orphanet 590, MedGen C3280112, MONDO:0013620, OMIM 614198.
Hyperkalemic periodic paralysis. Also called: Familial hyperkalemic periodic paralysis; Gamstorp disease. Identifiers: Orphanet 682, MedGen C0238357, MONDO:0008224, OMIM 170500, HP:0007215.

Allele frequency attached by ClinVar (database versions not stated): gnomAD exomes 0.00025 and 0.00072; ExAC 0.00090; gnomAD 0.00242 and 0.00258; ESP Exome Variant Server 0.00246; TOPMed 0.00290; 1000 Genomes Project 30x 0.00453; 1000 Genomes Project 0.00479.
gnomAD v4.1: 765 of 1,613,644 alleles (0.047%); highest among the groups gnomAD compares: African/African-American, 0.86%; 8 homozygotes.

Submissions (5):

CeGaT Center for Human Genetics Tuebingen
Classification: Likely benign. Last evaluated: 2026-05-01. Review status: criteria provided, single submitter. Criteria: CeGaT Center For Human Genetics Tuebingen Variant Classification Criteria Version 2. Collection method: clinical testing. Allele origin: germline. Affected: yes. Observed: 1 variant allele.
Comment: SCN4A: BS2

Labcorp Genetics (formerly Invitae), Labcorp
Classification: Benign for Hyperkalemic periodic paralysis. Last evaluated: 2025-12-28. Review status: criteria provided, single submitter. Criteria: Invitae Variant Classification Sherloc (09022015). Collection method: clinical testing. Allele origin: germline.

Athena Diagnostics
Classification: Benign. Last evaluated: 2025-07-11. Review status: criteria provided, single submitter. Criteria: Athena Diagnostics Criteria. Collection method: clinical testing. Allele origin: unknown.
Comment: The frequency of this variant in the general population is higher than would generally be expected for pathogenic variants in this gene.

Baylor Genetics
Classification: Uncertain significance for Congenital myasthenic syndrome 16. Last evaluated: 2017-09-01. Review status: criteria provided, single submitter. Criteria: ACMG Guidelines, 2015. Collection method: clinical testing. Allele origin: germline. Inheritance: Autosomal unknown.
Comment: Variant has also been seen in others in combination with additional variants (phase unknown) but without features of this syndrome.

GeneDx
Classification: Benign. Last evaluated: 2017-05-22. Review status: criteria provided, single submitter. Criteria: GeneDx Variant Classification (06012015). Collection method: clinical testing. Allele origin: germline. Affected: yes.
Comment: This variant is considered likely benign or benign based on one or more of the following criteria: it is a conservative change, it occurs at a poorly conserved position in the protein, it is predicted to be benign by multiple in silico algorithms, and/or has population frequency not consistent with disease.

Literature cited by the submitters: PubMed 33146414 (cited by Athena Diagnostics); PubMed 25326635 (cited by Baylor Genetics).

NM_000334.4(SCN4A):c.154C>T (p.Arg52Trp)

Gene: SCN4A (sodium voltage-gated channel alpha subunit 4; minus strand). Cytogenetic location: 17q23.3.
Variant type: single nucleotide variant.
Coding change: c.154C>T on transcript NM_000334.4 (MANE Select); coding-DNA position 154, C replaced by T.
Protein change: p.Arg52Trp; replaces arginine 52 with tryptophan.
Molecular consequence: missense variant.
Genome position (GRCh38, 1-based): chr17:63,972,688, G>A on the plus strand (C>T on the coding strand, the complement: SCN4A is on the minus strand). VCF-style: chr17-63972688-G-A. GRCh37 (hg19) VCF-style: chr17-62050048-G-A.
Other names: short protein forms R52W.
Identifiers: ClinVar variation 477399 (VCV000477399.17), dbSNP rs201379704, ClinGen allele CA8710269.